The following is an entry in ClinVar:

NM_001130823.3(DNMT1):c.4173G>A (p.Pro1391=)

Gene: DNMT1 (DNA methyltransferase 1; minus strand). Cytogenetic location: 19p13.2.
Variant type: single nucleotide variant.
Coding change: c.4173G>A on transcript NM_001130823.3 (MANE Select); coding-DNA position 4173, G replaced by A.
Protein change: p.Pro1391=; no amino-acid change (proline 1391 retained).
Molecular consequence: synonymous variant.
Genome position (GRCh38, 1-based): chr19:10,137,952, C>T on the plus strand (G>A on the coding strand, the complement: DNMT1 is on the minus strand). VCF-style: chr19-10137952-C-T. GRCh37 (hg19) VCF-style: chr19-10248628-C-T.
Other names: c.4125G>A, p.Pro1375= (NM_001318730.2, NM_001379.4); c.3810G>A, p.Pro1270= (NM_001318731.2); c.4173G>A (NM_001130823.2).
Identifiers: ClinVar variation 834643 (VCV000834643.46), dbSNP rs550868730, ClinGen allele CA9187569.

ClinVar aggregate classification (germline): Likely benign. Review status: criteria provided, multiple submitters, no conflicts (2 of 4 stars). 4 submissions from 4 submitters: Likely benign (4). Last evaluated 2025-11-01.

Conditions:
Hereditary sensory neuropathy-deafness-dementia syndrome. Also called: Hereditary sensory neuropathy type IE; NEUROPATHY, HEREDITARY SENSORY, WITH HEARING LOSS AND DEMENTIA; HSN IE; Hereditary Sensory and Autonomic Neuropathy Type 1E (HSAN1E). Identifiers: Orphanet 456318, MedGen C3279885, MONDO:0013584, OMIM 614116.
DNMT1-related disorder. Also called: DNMT1-related condition. Identifiers: MedGen CN381527.

Allele frequency attached by ClinVar (database versions not stated): ExAC 0.00003; gnomAD 0.00004 and 0.00005; TOPMed 0.00004; gnomAD exomes 0.00007 and 0.00012.
gnomAD v4.1: 180 of 1,611,714 alleles (0.011%); highest among the groups gnomAD compares: Middle Eastern, 0.017%; no homozygotes.

Submissions (4):

CeGaT Center for Human Genetics Tuebingen
Classification: Likely benign. Last evaluated: 2025-11-01. Review status: criteria provided, single submitter. Criteria: CeGaT Center For Human Genetics Tuebingen Variant Classification Criteria Version 2. Collection method: clinical testing. Allele origin: germline. Affected: yes. Observed: 2 variant alleles.
Comment: DNMT1: BP4, BP7

Labcorp Genetics (formerly Invitae), Labcorp
Classification: Likely benign for Hereditary sensory neuropathy-deafness-dementia syndrome. Last evaluated: 2025-03-04. Review status: criteria provided, single submitter. Criteria: Invitae Variant Classification Sherloc (09022015). Collection method: clinical testing. Allele origin: germline.

PreventionGenetics, part of Exact Sciences
Classification: Likely benign for DNMT1-related condition. Last evaluated: 2025-01-23. Review status: criteria provided, single submitter. Criteria: ACMG Guidelines, 2015. Collection method: clinical testing. Allele origin: germline.
Comment: This variant is classified as likely benign based on ACMG/AMP sequence variant interpretation guidelines (Richards et al. 2015 PMID: 25741868, with internal and published modifications).

Illumina Laboratory Services, Illumina
Classification: Likely benign for Hereditary sensory neuropathy-deafness-dementia syndrome. Last evaluated: 2018-01-13. Review status: criteria provided, single submitter. Criteria: ICSL Variant Classification Criteria 13 December 2019. Collection method: clinical testing. Allele origin: germline.
Comment: This variant was observed in the ICSL laboratory as part of a predisposition screen in an ostensibly healthy population. It had not been previously curated by ICSL or reported in the Human Gene Mutation Database (HGMD: prior to June 1st, 2018), and was therefore a candidate for classification through an automated scoring system. Utilizing variant allele frequency, disease prevalence and penetrance estimates, and inheritance mode, an automated score was calculated to assess if this variant is too frequent to cause the disease. Based on the score and internal cut-off values, a variant classified as likely benign is not then subjected to further curation. The score for this variant resulted in a classification of likely benign for this disease.